The following is an entry in ClinVar:

NM_001211.6(BUB1B):c.69A>T (p.Glu23Asp)

Gene: BUB1B (BUB1 mitotic checkpoint serine/threonine kinase B; plus strand). Cytogenetic location: 15q15.1.
Variant type: single nucleotide variant.
Coding change: c.69A>T on transcript NM_001211.6 (MANE Select); coding-DNA position 69, A replaced by T.
Protein change: p.Glu23Asp; replaces glutamic acid 23 with aspartic acid.
Molecular consequence: missense variant.
Genome position (GRCh38, 1-based): chr15:40,165,086, A>T. VCF-style: chr15-40165086-A-T. GRCh37 (hg19) VCF-style: chr15-40457287-A-T.
Other names: short protein forms E23D.
Identifiers: ClinVar variation 1756549 (VCV001756549.2), dbSNP rs2037080053, ClinGen allele CA391676972.

ClinVar aggregate classification (germline): Uncertain significance (1 of 4 stars; one submission).

Conditions:
Inborn genetic diseases. Identifiers: MedGen C0950123, MeSH D030342.

Submission:

Ambry Genetics
Classification: Uncertain significance for Inborn genetic diseases. Last evaluated: 2021-09-30. Review status: criteria provided, single submitter. Criteria: Ambry Variant Classification Scheme 2023. Collection method: clinical testing. Allele origin: germline.
Comment: The p.E23D variant (also known as c.69A>T), located in coding exon 2 of the BUB1B gene, results from an A to T substitution at nucleotide position 69. The glutamic acid at codon 23 is replaced by aspartic acid, an amino acid with highly similar properties. This amino acid position is conserved. In addition, the in silico prediction for this alteration is inconclusive. Since supporting evidence is limited at this time, the clinical significance of this alteration remains unclear.